The following is an entry in ClinVar:

ClinVar aggregate classification (germline): Uncertain significance (1 of 4 stars; one submission).

Conditions:
Myofibrillar myopathy 3 (MFM3). Also called: Muscular dystrophy, proximal, type 1A; Autosomal dominant spheroid body myopathy. Identifiers: Orphanet 266, Orphanet 268129, MedGen C3714934, MONDO:0012215, OMIM 609200.

gnomAD v4.1: 2 of 1,614,192 alleles (0.00012%); highest among the groups gnomAD compares: South Asian, 0.0011%; no homozygotes.

Submission:

Labcorp Genetics (formerly Invitae), Labcorp
Classification: Uncertain significance for Myofibrillar myopathy 3. Last evaluated: 2025-02-26. Review status: criteria provided, single submitter. Criteria: Invitae Variant Classification Sherloc (09022015). Collection method: clinical testing. Allele origin: germline.
Comment: This sequence change replaces aspartic acid, which is acidic and polar, with glutamic acid, which is acidic and polar, at codon 317 of the MYOT protein (p.Asp317Glu). This variant is present in population databases (rs753927065, gnomAD 0.003%). This variant has not been reported in the literature in individuals affected with MYOT-related conditions. ClinVar contains an entry for this variant (Variation ID: 1005712). Invitae Evidence Modeling of protein sequence and biophysical properties (such as structural, functional, and spatial information, amino acid conservation, physicochemical variation, residue mobility, and thermodynamic stability) indicates that this missense variant is not expected to disrupt MYOT protein function with a negative predictive value of 80%. In summary, the available evidence is currently insufficient to determine the role of this variant in disease. Therefore, it has been classified as a Variant of Uncertain Significance.

NM_006790.3(MYOT):c.951T>G (p.Asp317Glu)

Genes: MYOT (myotilin; plus strand), PKD2L2-DT (PKD2L2 divergent transcript; minus strand). Cytogenetic location: 5q31.2.
Variant type: single nucleotide variant.
Coding change: c.951T>G on transcript NM_006790.3 (MANE Select); coding-DNA position 951, T replaced by G.
Protein change: p.Asp317Glu; replaces aspartic acid 317 with glutamic acid.
Molecular consequence: missense variant.
Genome position (GRCh38, 1-based): chr5:137,883,518, T>G. VCF-style: chr5-137883518-T-G. GRCh37 (hg19) VCF-style: chr5-137219207-T-G.
Other names: c.399T>G, p.Asp133Glu (NM_001135940.2); c.606T>G, p.Asp202Glu (NM_001300911.2); short protein forms D133E, D202E, D317E.
Identifiers: ClinVar variation 1005712 (VCV001005712.9), dbSNP rs753927065, ClinGen allele CA3423078.